The following is an entry in ClinVar:

ClinVar aggregate classification (germline): Uncertain significance (1 of 4 stars; one submission).

Allele frequency attached by ClinVar (database versions not stated): ESP Exome Variant Server 0.00008; 1000 Genomes Project 0.00020; 1000 Genomes Project 30x 0.00031.
gnomAD v4.1: 20 of 1,614,190 alleles (0.0012%); highest among the groups gnomAD compares: Middle Eastern, 0.033%; no homozygotes.

Submission:

Labcorp Genetics (formerly Invitae), Labcorp
Classification: Uncertain significance. Last evaluated: 2025-12-19. Review status: criteria provided, single submitter. Criteria: Invitae Variant Classification Sherloc (09022015). Collection method: clinical testing. Allele origin: germline.
Comment: This sequence change replaces alanine, which is neutral and non-polar, with threonine, which is neutral and polar, at codon 704 of the TNNI3K protein (p.Ala704Thr). This variant is present in population databases (rs142979318, gnomAD 0.007%). This variant has not been reported in the literature in individuals affected with TNNI3K-related conditions. ClinVar contains an entry for this variant (Variation ID: 1436021). An algorithm developed to predict the effect of missense changes on protein structure and function outputs the following: PolyPhen-2: "Benign". The threonine amino acid residue is found in multiple mammalian species, which suggests that this missense change does not adversely affect protein function. In summary, the available evidence is currently insufficient to determine the role of this variant in disease. Therefore, it has been classified as a Variant of Uncertain Significance.

NM_015978.3(TNNI3K):c.2110G>A (p.Ala704Thr)

Genes: FPGT-TNNI3K (FPGT-TNNI3K readthrough; plus strand), TNNI3K (TNNI3 interacting kinase; plus strand). Cytogenetic location: 1p31.1.
Variant type: single nucleotide variant.
Coding change: c.2110G>A on transcript NM_015978.3 (MANE Select); coding-DNA position 2110, G replaced by A.
Protein change: p.Ala704Thr; replaces alanine 704 with threonine.
Molecular consequence: missense variant.
Genome position (GRCh38, 1-based): chr1:74,463,539, G>A. VCF-style: chr1-74463539-G-A. GRCh37 (hg19) VCF-style: chr1-74929223-G-A.
Other names: c.2413G>A, p.Ala805Thr (NM_001112808.3, NM_001199327.2); short protein forms A704T, A805T.
Identifiers: ClinVar variation 1436021 (VCV001436021.6), dbSNP rs142979318, ClinGen allele CA909590.
Genomic context (GRCh38, chr1:74,463,539, plus strand): 5'-CCTCCCATTGGCTATTCCATTCCCAAGCCCATATCATCTCTGCTGATACGAGGGTGGAAC[G>A]CATGTCCTGAAGTGAGTAATTTTTATTTCCTCTTAGAAAATGTGTTATGGTCAAAATCTG-3'
Protein context (NP_057062.1, residues 694-714): ISSLLIRGWN[Ala704Thr]CPEGRPEFSE